The following is an entry in ClinVar:

ClinVar aggregate classification (germline): Pathogenic/Likely pathogenic. Review status: criteria provided, multiple submitters, no conflicts (2 of 4 stars). 2 submissions from 2 submitters: Pathogenic (1); Likely pathogenic (1). Last evaluated 2026-07-01.

Conditions:
Glycogen storage disease, type II (IOPD). Also called: CARDIOMEGALIA GLYCOGENICA DIFFUSA; GLYCOGENOSIS, GENERALIZED, CARDIAC FORM; GSD II; Glycogen storage disease type 2; Acid maltase deficiency disease; Aglucosidase alfa. Identifiers: Orphanet 365, MedGen C0017921, MONDO:0009290, OMIM 232300.

Submissions (2):

Genomenon, Inc
Classification: Pathogenic for Glycogen storage disease, type II. Last evaluated: 2026-07-01. Review status: criteria provided, single submitter. Criteria: Genomenon Sequence Variant Interpretation Standards - Updated. Collection method: curation. Allele origin: germline. Affected: yes.
Comment: GAA c.546+2T>C is a canonical splice variant affecting the donor splice site of intron 2. It is predicted to affect mRNA splicing, leading to a deleterious effect on the GAA protein. This variant has been observed in at least one proband with a GAA-related disorder (PMID:23825616;28814660). At least one splicing study has demonstrated that this variant results in aberrant splicing (31301153). It is absent or not present at a significant frequency in gnomAD. In conclusion, we classify GAA c.546+2T>C as a pathogenic variant.

Labcorp Genetics (formerly Invitae), Labcorp
Classification: Likely pathogenic for Glycogen storage disease, type II. Last evaluated: 2022-05-30. Review status: criteria provided, single submitter. Criteria: Invitae Variant Classification Sherloc (09022015). Collection method: clinical testing. Allele origin: germline.
Comment: Disruption of this splice site has been observed in individual(s) with Pompe disease (PMID: 22252923). Studies have shown that disruption of this splice site results in skipping of exon 2, and is expected to result in the loss of the initiator methionine (PMID: 31301153). In summary, the currently available evidence indicates that the variant is pathogenic, but additional data are needed to prove that conclusively. Therefore, this variant has been classified as Likely Pathogenic. This variant is not present in population databases (gnomAD no frequency). This sequence change affects a donor splice site in intron 2 of the GAA gene. RNA analysis indicates that disruption of this splice site induces altered splicing and is likely to result in the loss of the initiator methionine.

Literature cited by the submitters: PubMed 23825616 (cited by Genomenon, Inc); PubMed 28814660 (cited by Genomenon, Inc); PubMed 22252923 (cited by Labcorp Genetics (formerly Invitae), Labcorp); PubMed 31301153 (cited by Labcorp Genetics (formerly Invitae), Labcorp).

NM_000152.5(GAA):c.546+2T>C

Gene: GAA (alpha glucosidase; plus strand). Cytogenetic location: 17q25.3.
Variant type: single nucleotide variant.
Coding change: c.546+2T>C on transcript NM_000152.5 (MANE Select); the canonical splice donor site of the intron after coding-DNA position 546, T replaced by C.
Molecular consequence: splice donor variant.
Genome position (GRCh38, 1-based): chr17:80,105,134, T>C. VCF-style: chr17-80105134-T-C. GRCh37 (hg19) VCF-style: chr17-78078933-T-C.
Other names: c.546+2T>C (NM_001406741.1, NM_001406742.1, NM_001079803.3 and 1 more transcripts).
Identifiers: ClinVar variation 2138112 (VCV002138112.5), dbSNP rs2510347655, ClinGen allele CA401361919.
Genomic context (GRCh38, chr17:80,105,134, plus strand): 5'-ACATCCTGACCCTGCGGCTGGACGTGATGATGGAGACTGAGAACCGCCTCCACTTCACGG[T>C]GGGCAGGGCAGGGGCGGGGGCGGCGGCCAGGGCAGAGGGTGCGCGTGGACATCGACACCC-3'